The following is an entry in ClinVar:

NM_001083926.2(ASRGL1):c.333G>T (p.Lys111Asn)

Gene: ASRGL1 (asparaginase and isoaspartyl peptidase 1; plus strand). Cytogenetic location: 11q12.3.
Variant type: single nucleotide variant.
Coding change: c.333G>T on transcript NM_001083926.2 (MANE Select); coding-DNA position 333, G replaced by T.
Protein change: p.Lys111Asn; replaces lysine 111 with asparagine.
Molecular consequence: missense variant.
Genome position (GRCh38, 1-based): chr11:62,356,467, G>T. VCF-style: chr11-62356467-G-T. GRCh37 (hg19) VCF-style: chr11-62123939-G-T.
Other names: c.333G>T, p.Lys111Asn (NM_025080.4); short protein forms K111N.
Identifiers: ClinVar variation 1994663 (VCV001994663.4), dbSNP rs982873806, ClinGen allele CA223011430.

ClinVar aggregate classification (germline): Uncertain significance (1 of 4 stars; one submission).

gnomAD v4.1: 25 of 1,613,996 alleles (0.0015%); highest among the groups gnomAD compares: East Asian, 0.056%; no homozygotes.

Submission:

Labcorp Genetics (formerly Invitae), Labcorp
Classification: Uncertain significance. Last evaluated: 2022-09-27. Review status: criteria provided, single submitter. Criteria: Invitae Variant Classification Sherloc (09022015). Collection method: clinical testing. Allele origin: germline.
Comment: Variants that disrupt the consensus splice site are a relatively common cause of aberrant splicing (PMID: 17576681, 9536098). Algorithms developed to predict the effect of sequence changes on RNA splicing suggest that this variant may disrupt the consensus splice site. In summary, the available evidence is currently insufficient to determine the role of this variant in disease. Therefore, it has been classified as a Variant of Uncertain Significance. Algorithms developed to predict the effect of missense changes on protein structure and function (SIFT, PolyPhen-2, Align-GVGD) all suggest that this variant is likely to be disruptive. This sequence change replaces lysine, which is basic and polar, with asparagine, which is neutral and polar, at codon 111 of the ASRGL1 protein (p.Lys111Asn). This variant also falls at the last nucleotide of exon 3, which is part of the consensus splice site for this exon. This variant is not present in population databases (gnomAD no frequency). This variant has not been reported in the literature in individuals affected with ASRGL1-related conditions.

Literature cited by the submitters: PubMed 17576681; PubMed 9536098.